The following is an entry in ClinVar:

NM_002382.5(MAX):c.445C>G (p.Pro149Ala)

Gene: MAX (MYC associated transcriptional regulator X; minus strand). Cytogenetic location: 14q23.3.
Variant type: single nucleotide variant.
Coding change: c.445C>G on transcript NM_002382.5 (MANE Select); coding-DNA position 445, C replaced by G.
Protein change: p.Pro149Ala; replaces proline 149 with alanine.
Molecular consequence: missense variant. On other transcripts: 3 prime UTR variant (12), non-coding transcript variant (7), intron variant (2).
Genome position (GRCh38, 1-based): chr14:65,076,514, G>C on the plus strand (C>G on the coding strand, the complement: MAX is on the minus strand). VCF-style: chr14-65076514-G-C. GRCh37 (hg19) VCF-style: chr14-65543232-G-C.
Other names: c.256C>G, p.Pro86Ala (NM_001320415.2, NM_001407105.1, NM_001407106.1 and 1 more transcripts); c.445C>G, p.Pro149Ala (NM_001407094.1); c.418C>G, p.Pro140Ala (NM_001407095.1, NM_145112.3); c.*218C>G (NM_001407096.1, NM_001407099.1, NM_001407102.1 and 2 more transcripts); c.*234C>G (NM_001407097.1, NM_001407100.1, NM_001407101.1 and 4 more transcripts); c.337C>G, p.Pro113Ala (NM_001407098.1); c.244C>G, p.Pro82Ala (NM_001407111.1, NM_001407112.1); c.144+17194C>G (NM_001271069.2); and 1 more; short protein forms P140A, P113A, P86A, P149A, P82A.
Identifiers: ClinVar variation 5023918 (VCV005023918.1).

ClinVar aggregate classification (germline): Uncertain significance (1 of 4 stars; one submission).

Conditions:
Hereditary cancer-predisposing syndrome. Also called: Neoplastic Syndromes, Hereditary; Tumor predisposition; Hereditary neoplastic syndrome; Hereditary Cancer Syndrome. Identifiers: Orphanet 140162, MedGen C0027672, MeSH D009386, MONDO:0015356.

Submission:

Ambry Genetics
Classification: Uncertain significance for Hereditary cancer-predisposing syndrome. Last evaluated: 2026-07-06. Review status: criteria provided, single submitter. Criteria: Ambry Variant Classification Scheme 2023. Collection method: clinical testing. Allele origin: germline.
Comment: The p.P149A variant (also known as c.445C>G), located in coding exon 5 of the MAX gene, results from a C to G substitution at nucleotide position 445. The proline at codon 149 is replaced by alanine, an amino acid with highly similar properties. This amino acid position is conserved. In addition, the in silico prediction for this alteration is inconclusive. Based on the available evidence, the clinical significance of this variant remains unclear.